The following is an entry in ClinVar:

ClinVar aggregate classification (germline): Uncertain significance (1 of 4 stars; one submission).

Submission:

Labcorp Genetics (formerly Invitae), Labcorp
Classification: Uncertain significance. Last evaluated: 2021-03-18. Review status: criteria provided, single submitter. Criteria: Invitae Variant Classification Sherloc (09022015). Collection method: clinical testing. Allele origin: germline.
Comment: Algorithms developed to predict the effect of sequence changes on RNA splicing suggest that this variant may create or strengthen a splice site, but this prediction has not been confirmed by published transcriptional studies. Algorithms developed to predict the effect of missense changes on protein structure and function output the following: SIFT: "Tolerated"; PolyPhen-2: "Benign"; Align-GVGD: "Class C0". The arginine amino acid residue is found in multiple mammalian species, suggesting that this missense change does not adversely affect protein function. These predictions have not been confirmed by published functional studies and their clinical significance is uncertain. This variant has not been reported in the literature in individuals with ANKZF1-related conditions. This variant is not present in population databases (ExAC no frequency). This sequence change replaces lysine with arginine at codon 310 of the ANKZF1 protein (p.Lys310Arg). The lysine residue is weakly conserved and there is a small physicochemical difference between lysine and arginine. In summary, the available evidence is currently insufficient to determine the role of this variant in disease. Therefore, it has been classified as a Variant of Uncertain Significance.

NM_018089.3(ANKZF1):c.929A>G (p.Lys310Arg)

Gene: ANKZF1 (ankyrin repeat and zinc finger peptidyl tRNA hydrolase 1; plus strand). Cytogenetic location: 2q35.
Variant type: single nucleotide variant.
Coding change: c.929A>G on transcript NM_018089.3 (MANE Select); coding-DNA position 929, A replaced by G.
Protein change: p.Lys310Arg; replaces lysine 310 with arginine.
Molecular consequence: missense variant.
Genome position (GRCh38, 1-based): chr2:219,233,824, A>G. VCF-style: chr2-219233824-A-G. GRCh37 (hg19) VCF-style: chr2-220098546-A-G.
Other names: c.929A>G, p.Lys310Arg (NM_001042410.2); c.299A>G, p.Lys100Arg (NM_001282792.2); short protein forms K100R, K310R.
Identifiers: ClinVar variation 1493439 (VCV001493439.8), dbSNP rs2106462547, ClinGen allele CA350677571.